The following is an entry in ClinVar:

NM_005546.4(ITK):c.769-10A>T

Gene: ITK (IL2 inducible T cell kinase; plus strand). Cytogenetic location: 5q33.3.
Variant type: single nucleotide variant.
Coding change: c.769-10A>T on transcript NM_005546.4 (MANE Select); 10 bases into the intron before coding-DNA position 769, A replaced by T.
Molecular consequence: intron variant.
Genome position (GRCh38, 1-based): chr5:157,238,099, A>T. VCF-style: chr5-157238099-A-T. GRCh37 (hg19) VCF-style: chr5-156665109-A-T.
Other names: p.?.
Identifiers: ClinVar variation 352467 (VCV000352467.22), dbSNP rs55646940, ClinGen allele CA3532896.

ClinVar aggregate classification (germline): Benign/Likely benign. Review status: criteria provided, multiple submitters, no conflicts (2 of 4 stars). 8 submissions from 8 submitters: Benign (6); Likely benign (1). 1 of the submissions does not count toward it. Last evaluated 2026-02-03.

Conditions:
Lymphoproliferative syndrome 1 (LPFS1). Identifiers: Orphanet 238505, Orphanet 538963, MedGen C3552634, MONDO:0013081, OMIM 613011.
Autoinflammatory syndrome. Identifiers: Orphanet 93665, MedGen C3890737, MONDO:0019751.

Allele frequency attached by ClinVar (database versions not stated): gnomAD 0.01845 and 0.01752; ESP Exome Variant Server 0.01884; gnomAD exomes 0.02536 and 0.01718; 1000 Genomes Project 0.00659; 1000 Genomes Project 30x 0.00765; TOPMed 0.01636; ExAC 0.01828.
gnomAD v4.1: 39,184 of 1,606,484 alleles (2.4%); highest among the groups gnomAD compares: Non-Finnish European, 3%; 606 homozygotes.

Submissions (8):

Labcorp Genetics (formerly Invitae), Labcorp
Classification: Benign for Lymphoproliferative syndrome 1. Last evaluated: 2026-02-03. Review status: criteria provided, single submitter. Criteria: Invitae Variant Classification Sherloc (09022015). Collection method: clinical testing. Allele origin: germline.

Women's Health and Genetics/Laboratory Corporation of America, LabCorp
Classification: Benign. Last evaluated: 2026-01-22. Review status: criteria provided, single submitter. Criteria: LabCorp Variant Classification Summary - May 2015. Collection method: clinical testing. Allele origin: germline.

Blueprint Genetics
Classification: Likely benign. Last evaluated: 2024-11-26. Review status: criteria provided, single submitter. Criteria: ACMG Guidelines, 2015. Collection method: clinical testing. Allele origin: germline.

Mayo Clinic Laboratories, Mayo Clinic
Classification: Benign. Last evaluated: 2023-06-06. Review status: criteria provided, single submitter. Criteria: ACMG Guidelines, 2015. Collection method: clinical testing. Allele origin: germline. Observed: 36 variant alleles.
Comment: BS1, BS2, BP4, BP7

Genome Diagnostics Laboratory, The Hospital for Sick Children
Classification: Benign for Autoinflammatory syndrome. Last evaluated: 2021-09-21. Review status: criteria provided, single submitter. Criteria: ACMG Guidelines, 2015. Collection method: clinical testing. Allele origin: germline. Affected: yes.

Illumina Laboratory Services, Illumina
Classification: Benign for Lymphoproliferative syndrome 1. Last evaluated: 2018-01-12. Review status: criteria provided, single submitter. Criteria: ICSL Variant Classification Criteria 13 December 2019. Collection method: clinical testing. Allele origin: germline.
Comment: This variant was observed in the ICSL laboratory as part of a predisposition screen in an ostensibly healthy population. It had not been previously curated by ICSL or reported in the Human Gene Mutation Database (HGMD: prior to June 1st, 2018), and was therefore a candidate for classification through an automated scoring system. Utilizing variant allele frequency, disease prevalence and penetrance estimates, and inheritance mode, an automated score was calculated to assess if this variant is too frequent to cause the disease. Based on the score and internal cut-off values, a variant classified as benign is not then subjected to further curation. The score for this variant resulted in a classification of benign for this disease.

Genome Diagnostics Laboratory, University Medical Center Utrecht
Classification: Benign for Lymphoproliferative syndrome 1. Last evaluated: 2014-10-09. Review status: criteria provided, single submitter. Criteria: ACGS Guidelines, 2013. Collection method: clinical testing. Allele origin: germline. Affected: yes. Study: VKGL Data-share Consensus.

Genome Diagnostics Laboratory, Amsterdam University Medical Center
Classification: Benign for Lymphoproliferative syndrome 1. Last evaluated: 2015-10-05. Review status: no assertion criteria provided. Criteria: ACGS Guidelines, 2013. Collection method: clinical testing. Allele origin: germline. Affected: yes. Study: VKGL Data-share Consensus. Not counted in ClinVar's aggregate classification.